The following is an entry in ClinVar:

ClinVar aggregate classification (germline): Uncertain significance (1 of 4 stars; one submission).

Allele frequency attached by ClinVar (database versions not stated): gnomAD exomes below 0.00001; TOPMed below 0.00001.

Submission:

Labcorp Genetics (formerly Invitae), Labcorp
Classification: Uncertain significance. Last evaluated: 2021-02-04. Review status: criteria provided, single submitter. Criteria: Invitae Variant Classification Sherloc (09022015). Collection method: clinical testing. Allele origin: germline.
Comment: This variant is not present in population databases (ExAC no frequency). This sequence change replaces glycine with serine at codon 171 of the SZT2 protein (p.Gly171Ser). The glycine residue is weakly conserved and there is a small physicochemical difference between glycine and serine. This variant has not been reported in the literature in individuals with SZT2-related conditions. In summary, the available evidence is currently insufficient to determine the role of this variant in disease. Therefore, it has been classified as a Variant of Uncertain Significance. Algorithms developed to predict the effect of missense changes on protein structure and function are either unavailable or do not agree on the potential impact of this missense change (SIFT: "Deleterious"; PolyPhen-2: "Possibly Damaging"; Align-GVGD: "Class C0").

NM_001365999.1(SZT2):c.511G>A (p.Gly171Ser)

Gene: SZT2 (SZT2 subunit of KICSTOR complex; plus strand). Cytogenetic location: 1p34.2.
Variant type: single nucleotide variant.
Coding change: c.511G>A on transcript NM_001365999.1 (MANE Select); coding-DNA position 511, G replaced by A.
Protein change: p.Gly171Ser; replaces glycine 171 with serine.
Molecular consequence: missense variant.
Genome position (GRCh38, 1-based): chr1:43,415,094, G>A. VCF-style: chr1-43415094-G-A. GRCh37 (hg19) VCF-style: chr1-43880765-G-A.
Other names: c.511G>A, p.Gly171Ser (NM_015284.4); short protein forms G171S.
Identifiers: ClinVar variation 1055591 (VCV001055591.9), dbSNP rs1651543216, ClinGen allele CA340000515.